The following is an entry in ClinVar:

NM_001378454.1(ALMS1):c.11499A>G (p.Thr3833=)

Gene: ALMS1 (ALMS1 centrosome and basal body associated protein; plus strand). Cytogenetic location: 2p13.1.
Variant type: single nucleotide variant.
Coding change: c.11499A>G on transcript NM_001378454.1 (MANE Select); coding-DNA position 11499, A replaced by G.
Protein change: p.Thr3833=; no amino-acid change (threonine 3833 retained).
Molecular consequence: synonymous variant.
Genome position (GRCh38, 1-based): chr2:73,573,376, A>G. VCF-style: chr2-73573376-A-G. GRCh37 (hg19) VCF-style: chr2-73800503-A-G.
Other names: c.11502A>G, p.Thr3834= (NM_015120.4).
Identifiers: ClinVar variation 1118661 (VCV001118661.30), dbSNP rs762899971, ClinGen allele CA1715212.

ClinVar aggregate classification (germline): Likely benign. Review status: criteria provided, multiple submitters, no conflicts (2 of 4 stars). 6 submissions from 6 submitters: Likely benign (5). 1 of the submissions does not count toward it. Last evaluated 2025-05-09.

Conditions:
Cardiovascular phenotype. Identifiers: MedGen CN230736.
Alstrom syndrome (ALMS). Identifiers: Orphanet 64, MedGen C0268425, MONDO:0008763, OMIM 203800.

Allele frequency attached by ClinVar (database versions not stated): gnomAD 0.00002; ExAC 0.00003; gnomAD exomes 0.00003 and 0.00006.
gnomAD v4.1: 41 of 1,614,014 alleles (0.0025%); highest among the groups gnomAD compares: Admixed American, 0.023%; no homozygotes.

Submissions (6):

Labcorp Genetics (formerly Invitae), Labcorp
Classification: Likely benign for Alstrom syndrome. Last evaluated: 2025-05-09. Review status: criteria provided, single submitter. Criteria: Invitae Variant Classification Sherloc (09022015). Collection method: clinical testing. Allele origin: germline.

CeGaT Center for Human Genetics Tuebingen
Classification: Likely benign. Last evaluated: 2025-01-01. Review status: criteria provided, single submitter. Criteria: CeGaT Center For Human Genetics Tuebingen Variant Classification Criteria Version 2. Collection method: clinical testing. Allele origin: germline. Affected: yes. Observed: 1 variant allele.
Comment: ALMS1: BP4, BP7

Blueprint Genetics
Classification: Likely benign. Last evaluated: 2023-06-23. Review status: criteria provided, single submitter. Criteria: ACMG Guidelines, 2015. Collection method: clinical testing. Allele origin: germline.

Fulgent Genetics
Classification: Likely benign for Alstrom syndrome. Last evaluated: 2021-09-07. Review status: criteria provided, single submitter. Criteria: ACMG Guidelines, 2015. Collection method: clinical testing. Allele origin: unknown.

Ambry Genetics
Classification: Likely benign for Cardiovascular phenotype. Last evaluated: 2020-06-03. Review status: criteria provided, single submitter. Criteria: Ambry Variant Classification Scheme 2023. Collection method: clinical testing. Allele origin: germline.

Natera, Inc.
Classification: Likely benign for Alstrom syndrome. Last evaluated: 2020-05-29. Review status: no assertion criteria provided. Collection method: clinical testing. Allele origin: germline. Not counted in ClinVar's aggregate classification.